The following is an entry in ClinVar:

NM_000069.3(CACNA1S):c.1195T>C (p.Tyr399His)

Gene: CACNA1S (calcium voltage-gated channel subunit alpha1 S; minus strand). Cytogenetic location: 1q32.1.
Variant type: single nucleotide variant.
Coding change: c.1195T>C on transcript NM_000069.3 (MANE Select); coding-DNA position 1195, T replaced by C.
Protein change: p.Tyr399His; replaces tyrosine 399 with histidine.
Molecular consequence: missense variant.
Genome position (GRCh38, 1-based): chr1:201,084,987, A>G on the plus strand (T>C on the coding strand, the complement: CACNA1S is on the minus strand). VCF-style: chr1-201084987-A-G. GRCh37 (hg19) VCF-style: chr1-201054115-A-G.
Other names: short protein forms Y399H.
Identifiers: ClinVar variation 3386390 (VCV003386390.1).
Genomic context (GRCh38, chr1:201,084,987, plus strand): 5'-TGGGGCAGTGGGCAGATACTCACATGAACTGGATGATTTTGTTCAAGCCTGCAATTTCAT[A>G]CAGGCTCTCTGTGTCAGAGCCACCTTCATCCAAAGACAGTTTTCCTGGAGACAGGAGAGA-3'
Protein context (NP_000060.2, residues 389-409): DEGGSDTESL[Tyr399His]EIAGLNKIIQ

ClinVar aggregate classification (germline): Uncertain significance (1 of 4 stars; one submission).

Conditions:
Malignant hyperthermia, susceptibility to, 5 (MHS5). Also called: CACNA1S-Related Malignant Hyperthermia Susceptibility. Identifiers: Orphanet 423, MedGen C1866077, MONDO:0011163, OMIM 601887.

Submission:

All of Us Research Program, National Institutes of Health
Classification: Uncertain significance for Malignant hyperthermia, susceptibility to, 5. Last evaluated: 2024-04-16. Review status: criteria provided, single submitter. Criteria: ACMG Guidelines, 2015. Collection method: clinical testing. Allele origin: germline. Inheritance: Autosomal dominant inheritance. Observed: 1 variant allele, 1 heterozygote.
Comment: This missense variant replaces tyrosine with histidine at codon 399 of the CACNA1S protein. Computational prediction suggests that this variant may not impact protein structure and function (internally defined REVEL score threshold <= 0.5, PMID: 27666373). To our knowledge, functional studies have not been reported for this variant. This variant has not been reported in individuals affected with CACNA1S-related disorders in the literature. This variant has not been identified in the general population by the Genome Aggregation Database (gnomAD). The available evidence is insufficient to determine the role of this variant in disease conclusively. Therefore, this variant is classified as a Variant of Uncertain Significance.

This study involves interpretation of variants in research participants for the purpose of population health screening. Participant phenotype was not available at the time of variant classification. Additional details can be found in publication PMID: 35346344, PMCID: PMC8962531